The following is an entry in ClinVar:

ClinVar aggregate classification (germline): Uncertain significance (1 of 4 stars; one submission).

Submission:

Quest Diagnostics Nichols Institute San Juan Capistrano
Classification: Uncertain significance. Last evaluated: 2025-03-04. Review status: criteria provided, single submitter. Criteria: Quest Diagnostics criteria. Collection method: clinical testing. Allele origin: unknown.
Comment: The BRCA1 c.4732G>A (p.Asp1578Asn) variant has not been reported in individuals with BRCA1-related conditions in the published literature. It also has not been reported in large, multi-ethnic general populations (Genome Aggregation Database). Analysis of this variant using bioinformatics tools for the prediction of the effect of amino acid changes on protein structure and function yielded predictions that this variant is benign. Based on the available information, we are unable to determine the clinical significance of this variant.

NM_007294.4(BRCA1):c.4732G>A (p.Asp1578Asn)

Gene: BRCA1 (BRCA1 DNA repair associated; minus strand). Cytogenetic location: 17q21.31.
Variant type: single nucleotide variant.
Coding change: c.4732G>A on transcript NM_007294.4 (MANE Select); coding-DNA position 4732, G replaced by A.
Protein change: p.Asp1578Asn; replaces aspartic acid 1578 with asparagine.
Molecular consequence: missense variant. On other transcripts: intron variant (1).
Genome position (GRCh38, 1-based): chr17:43,071,182, C>T on the plus strand (G>A on the coding strand, the complement: BRCA1 is on the minus strand). VCF-style: chr17-43071182-C-T. GRCh37 (hg19) VCF-style: chr17-41223199-C-T.
Other names: c.4519G>A, p.Asp1507Asn (NM_001407571.1, NM_001407894.1, NM_001407895.1 and 12 more transcripts); c.4798G>A, p.Asp1600Asn (NM_001407581.1, NM_001407582.1); c.4795G>A, p.Asp1599Asn (NM_001407583.1, NM_001407585.1, NM_001407587.1 and 1 more transcripts); c.4792G>A, p.Asp1598Asn (NM_001407590.1, NM_001407591.1); c.4732G>A, p.Asp1578Asn (NM_001407593.1, NM_001407594.1, NM_001407596.1 and 8 more transcripts); c.4729G>A, p.Asp1577Asn (NM_001407610.1, NM_001407611.1, NM_001407612.1 and 17 more transcripts); c.4726G>A, p.Asp1576Asn (NM_001407627.1, NM_001407628.1, NM_001407629.1 and 14 more transcripts); c.4723G>A, p.Asp1575Asn (NM_001407644.1, NM_001407645.1); and 71 more; short protein forms D1281N, D1282N, D1409N, D1424N, D1449N, D1450N, D1451N, D1465N.
Identifiers: ClinVar variation 4533110 (VCV004533110.1).